The following is an entry in ClinVar:

ClinVar aggregate classification (germline): Uncertain significance (1 of 4 stars; one submission).

Conditions:
Myopathy, proximal, and ophthalmoplegia (CMYO6). Also called: CONGENITAL MYOPATHY 6 WITH OPHTHALMOPLEGIA; MYOPATHY WITH CONGENITAL JOINT CONTRACTURES, OPHTHALMOPLEGIA, AND RIMMED VACUOLES; INCLUSION BODY MYOPATHY 3, AUTOSOMAL DOMINANT. Identifiers: Orphanet 363677, Orphanet 79091, MedGen C1854106, MONDO:0011577, OMIM 605637.

Allele frequency attached by ClinVar (database versions not stated): gnomAD exomes below 0.00001; 1000 Genomes Project 30x 0.00016; 1000 Genomes Project 0.00020.
gnomAD v4.1: 4 of 1,614,172 alleles (0.00025%); highest among the groups gnomAD compares: African/African-American, 0.0013%; no homozygotes.

Submission:

Labcorp Genetics (formerly Invitae), Labcorp
Classification: Uncertain significance for Myopathy, proximal, and ophthalmoplegia. Last evaluated: 2022-01-15. Review status: criteria provided, single submitter. Criteria: Invitae Variant Classification Sherloc (09022015). Collection method: clinical testing. Allele origin: germline.
Comment: In summary, the available evidence is currently insufficient to determine the role of this variant in disease. Therefore, it has been classified as a Variant of Uncertain Significance. Algorithms developed to predict the effect of missense changes on protein structure and function (SIFT, PolyPhen-2, Align-GVGD) all suggest that this variant is likely to be tolerated. This variant has not been reported in the literature in individuals affected with MYH2-related conditions. This variant is not present in population databases (gnomAD no frequency). This sequence change replaces glutamine, which is neutral and polar, with glutamic acid, which is acidic and polar, at codon 1312 of the MYH2 protein (p.Gln1312Glu).

NM_017534.6(MYH2):c.3934C>G (p.Gln1312Glu)

Genes: MYHAS (myosin heavy chain gene cluster antisense RNA; plus strand), MYH2 (myosin heavy chain 2; minus strand). Cytogenetic location: 17p13.1.
Variant type: single nucleotide variant.
Coding change: c.3934C>G on transcript NM_017534.6 (MANE Select); coding-DNA position 3934, C replaced by G.
Protein change: p.Gln1312Glu; replaces glutamine 1312 with glutamic acid.
Molecular consequence: missense variant.
Genome position (GRCh38, 1-based): chr17:10,526,994, G>C on the plus strand (C>G on the coding strand, the complement: MYH2 is on the minus strand). VCF-style: chr17-10526994-G-C. GRCh37 (hg19) VCF-style: chr17-10430311-G-C.
Other names: c.3934C>G, p.Gln1312Glu (NM_001100112.2); short protein forms Q1312E.
Identifiers: ClinVar variation 1908680 (VCV001908680.5), dbSNP rs186654707, ClinGen allele CA287737812.